The following is an entry in ClinVar:

NM_004006.3(DMD):c.9445C>T (p.Gln3149Ter)

Gene: DMD (dystrophin; minus strand). Cytogenetic location: Xp21.2.
Variant type: single nucleotide variant.
Coding change: c.9445C>T on transcript NM_004006.3 (MANE Select); coding-DNA position 9445, C replaced by T.
Protein change: p.Gln3149Ter; replaces glutamine 3149 with a stop codon.
Molecular consequence: nonsense.
Genome position (GRCh38, 1-based): chrX:31,209,616, G>A on the plus strand (C>T on the coding strand, the complement: DMD is on the minus strand). VCF-style: chrX-31209616-G-A. GRCh37 (hg19) VCF-style: chrX-31227733-G-A.
Other names: c.9421C>T, p.Gln3141Ter (NM_000109.4); c.9433C>T, p.Gln3145Ter (NM_004009.3); c.9076C>T, p.Gln3026Ter (NM_004010.3); c.5422C>T, p.Gln1808Ter (NM_004011.4); c.5413C>T, p.Gln1805Ter (NM_004012.4); c.2065C>T, p.Gln689Ter (NM_004013.3, NM_004020.4, NM_004021.3 and 2 more transcripts); c.1258C>T, p.Gln420Ter (NM_004014.3); c.241C>T, p.Gln81Ter (NM_004015.3, NM_004016.3, NM_004017.3 and 2 more transcripts); short protein forms Q1805*, Q1808*, Q3026*, Q3141*, Q3145*, Q3149*, Q420*, Q689*.
Identifiers: ClinVar variation 1322740 (VCV001322740.9), dbSNP rs2148592023, ClinGen allele CA412649983.

ClinVar aggregate classification (germline): Pathogenic (1 of 4 stars; one submission).

Conditions:
Duchenne muscular dystrophy (DMD). Also called: MUSCULAR DYSTROPHY, PSEUDOHYPERTROPHIC PROGRESSIVE, DUCHENNE TYPE; Duchenne Muscular Dystrophy (DMD). Identifiers: Orphanet 98896, MedGen C0013264, MONDO:0010679, OMIM 310200.

Submission:

Labcorp Genetics (formerly Invitae), Labcorp
Classification: Pathogenic for Duchenne muscular dystrophy. Last evaluated: 2021-05-24. Review status: criteria provided, single submitter. Criteria: Invitae Variant Classification Sherloc (09022015). Collection method: clinical testing. Allele origin: germline.
Comment: For these reasons, this variant has been classified as Pathogenic. This sequence change creates a premature translational stop signal (p.Gln3149*) in the DMD gene. It is expected to result in an absent or disrupted protein product. Loss-of-function variants in DMD are known to be pathogenic (PMID: 16770791, 25007885). This variant is not present in population databases (ExAC no frequency). This variant has been observed in individual(s) with Duchenne muscular dystrophy (PMID: 15351422).

Literature cited by the submitters: PubMed 16770791; PubMed 25007885; PubMed 15351422.